The following is an entry in ClinVar:

NM_001009931.3(HRNR):c.6813T>C (p.Gly2271=)

Genes: CCDST (cervical cancer associated DHX9 suppressive transcript; plus strand), HRNR (hornerin; minus strand). Cytogenetic location: 1q21.3.
Variant type: single nucleotide variant.
Coding change: c.6813T>C on transcript NM_001009931.3 (MANE Select); coding-DNA position 6813, T replaced by C.
Protein change: p.Gly2271=; no amino-acid change (glycine 2271 retained).
Molecular consequence: synonymous variant.
Genome position (GRCh38, 1-based): chr1:152,214,816, A>G on the plus strand (T>C on the coding strand, the complement: HRNR is on the minus strand). VCF-style: chr1-152214816-A-G. GRCh37 (hg19) VCF-style: chr1-152187292-A-G.
Identifiers: ClinVar variation 3388644 (VCV003388644.14).
Genomic context (GRCh38, chr1:152,214,816, plus strand): 5'-TTGGCCATAGCTAGAAGACTGACTTGAGCCAGAGCCATGCTGACCGTGGCTGGAAGACTG[A>G]CCTGTGCTAGATCCCTCCTGGTCAAAGGTTGATGACTGTCCTGATGTAGAACCATGCTGT-3'
Protein context (NP_001009931.1, residues 2261-2281): STFDQEGSST[Gly2271=]QSSSHGQHGS

ClinVar aggregate classification (germline): Likely benign (1 of 4 stars; one submission).

Submission:

CeGaT Center for Human Genetics Tuebingen
Classification: Likely benign. Last evaluated: 2024-10-01. Review status: criteria provided, single submitter. Criteria: CeGaT Center For Human Genetics Tuebingen Variant Classification Criteria Version 2. Collection method: clinical testing. Allele origin: germline. Affected: yes. Observed: 1 variant allele.
Comment: HRNR: BP4, BP7